The following is an entry in ClinVar:

ClinVar aggregate classification (germline): Likely benign. Review status: criteria provided, multiple submitters, no conflicts (2 of 4 stars). 3 submissions from 3 submitters: Likely benign (3). Last evaluated 2026-06-01.

Allele frequency attached by ClinVar (database versions not stated): gnomAD exomes below 0.00001; TOPMed 0.00002; gnomAD 0.00004 and 0.00005.
gnomAD v4.1: 12 of 1,614,110 alleles (0.00074%); highest among the groups gnomAD compares: Admixed American, 0.013%; no homozygotes.

Submissions (3):

CeGaT Center for Human Genetics Tuebingen
Classification: Likely benign. Last evaluated: 2026-06-01. Review status: criteria provided, single submitter. Criteria: CeGaT Center For Human Genetics Tuebingen Variant Classification Criteria Version 2. Collection method: clinical testing. Allele origin: germline. Affected: yes. Observed: 1 variant allele.
Comment: GABRB1: BP4, BP7

Labcorp Genetics (formerly Invitae), Labcorp
Classification: Likely benign. Last evaluated: 2025-03-09. Review status: criteria provided, single submitter. Criteria: Invitae Variant Classification Sherloc (09022015). Collection method: clinical testing. Allele origin: germline.

Blueprint Genetics
Classification: Likely benign. Last evaluated: 2024-10-03. Review status: criteria provided, single submitter. Criteria: ACMG Guidelines, 2015. Collection method: clinical testing. Allele origin: germline.

NM_000812.4(GABRB1):c.1251C>T (p.Ala417=)

Gene: GABRB1 (gamma-aminobutyric acid type A receptor subunit beta1; plus strand). Cytogenetic location: 4p12.
Variant type: single nucleotide variant.
Coding change: c.1251C>T on transcript NM_000812.4 (MANE Select); coding-DNA position 1251, C replaced by T.
Protein change: p.Ala417=; no amino-acid change (alanine 417 retained).
Molecular consequence: synonymous variant.
Genome position (GRCh38, 1-based): chr4:47,425,844, C>T. VCF-style: chr4-47425844-C-T. GRCh37 (hg19) VCF-style: chr4-47427861-C-T.
Identifiers: ClinVar variation 754058 (VCV000754058.11), dbSNP rs1031034147, ClinGen allele CA96624812.
Genomic context (GRCh38, chr4:47,425,844, plus strand): 5'-TGACAGCGCCAGCATCCAGTACCGCAAGCCCCTGAGCAGCCGCGAGGCCTACGGGCGCGC[C>T]CTGGACCGGCACGGGGTACCCAGCAAGGGGCGCATCCGCAGGCGTGCCTCCCAGCTCAAA-3'
Protein context (NP_000803.2, residues 407-427): PLSSREAYGR[Ala417=]LDRHGVPSKG